The following is an entry in ClinVar:

ClinVar aggregate classification (germline): Likely pathogenic (1 of 4 stars; one submission).

Conditions:
Hereditary spastic paraplegia 49 (HSAN9). Also called: Spastic paraplegia 49, autosomal recessive; NEUROPATHY, HEREDITARY SENSORY AND AUTONOMIC, TYPE IX, WITH DEVELOPMENTAL DELAY; TECPR2-Related Hereditary Sensory and Autonomic Neuropathy with Intellectual Disability. Identifiers: Orphanet 320385, MedGen C5190860, MONDO:0014016, OMIM 615031.

Submission:

Institute of Human Genetics, University of Leipzig Medical Center
Classification: Likely pathogenic for Hereditary spastic paraplegia 49. Last evaluated: 2021-01-16. Review status: criteria provided, single submitter. Criteria: ACMG Guidelines, 2015. Collection method: clinical testing. Allele origin: inherited. Inheritance: Autosomal recessive inheritance. Affected: yes. Observed: 1 variant allele, 1 homozygote.
Comment: This frameshift variant c.694dup, p.(Thr232Asnfs*15) in exon 6/20 of TECPR2 has not been reported in the general population. Biallelic truncating or missense variants have been described to cause â€œSpastic paraplegia 49, autosomal recessiveâ€ (Oz-Levi et al. Am J Hum Genet. 2012, PMID: 23176824). Taken together, we classify this variant as likely pathogenic based on the ACMG recommendations (Richards et al., 2015, PMID 25741868; criteria: PVS1 PM2).

NM_014844.5(TECPR2):c.694dup (p.Thr232fs)

Gene: TECPR2 (tectonin beta-propeller repeat containing 2; plus strand). Cytogenetic location: 14q32.31.
Variant type: Duplication.
Coding change: c.694dup on transcript NM_014844.5 (MANE Select); coding-DNA position 694, one base duplicated (A; older notation c.694dupA).
Protein change: p.Thr232fs; shifts the reading frame from threonine 232.
Molecular consequence: frameshift variant.
Genome position (GRCh38, 1-based): chr14:102,425,034, A duplicated; the last of 2 consecutive A bases (chr14:102,425,033-102,425,034); duplicating either gives the same sequence. VCF-style (leftmost placement, unchanged base first): chr14-102425032-T-TA. GRCh37 (hg19) VCF-style: chr14-102891369-T-TA.
Other names: c.694dup, p.Thr232fs (NM_001172631.3); short protein forms T232fs.
Identifiers: ClinVar variation 996006 (VCV000996006.3), dbSNP rs1889277232, ClinGen allele CA1139663759.